The following is an entry in ClinVar:

NM_032578.4(MYPN):c.2T>C (p.Met1Thr)

Gene: MYPN (myopalladin; plus strand). Cytogenetic location: 10q21.3.
Variant type: single nucleotide variant.
Coding change: c.2T>C on transcript NM_032578.4 (MANE Select); coding-DNA position 2, T replaced by C.
Protein change: p.Met1Thr; changes the start codon (methionine 1).
Molecular consequence: missense variant, initiator codon variant. On other transcripts: 5 prime UTR variant (1), non-coding transcript variant (1).
Genome position (GRCh38, 1-based): chr10:68,121,440, T>C. VCF-style: chr10-68121440-T-C. GRCh37 (hg19) VCF-style: chr10-69881197-T-C.
Other names: c.2T>C, p.Met1Thr (NM_001256267.2); c.-1121T>C (NM_001256268.2); short protein forms M1T.
Identifiers: ClinVar variation 2672397 (VCV002672397.23), dbSNP rs2495459067, ClinGen allele CA377103399.

ClinVar aggregate classification (germline): Uncertain significance (1 of 4 stars; one submission).

Submission:

CeGaT Center for Human Genetics Tuebingen
Classification: Uncertain significance. Last evaluated: 2024-06-01. Review status: criteria provided, single submitter. Criteria: CeGaT Center For Human Genetics Tuebingen Variant Classification Criteria Version 2. Collection method: clinical testing. Allele origin: germline. Affected: yes. Observed: 2 variant alleles.
Comment: MYPN: PM2, PVS1:Moderate, PS1:Supporting